The following is an entry in ClinVar:

ClinVar aggregate classification (germline): Uncertain significance (1 of 4 stars; one submission).

Submission:

Labcorp Genetics (formerly Invitae), Labcorp
Classification: Uncertain significance. Last evaluated: 2024-08-02. Review status: criteria provided, single submitter. Criteria: Invitae Variant Classification Sherloc (09022015). Collection method: clinical testing. Allele origin: germline.
Comment: This sequence change replaces serine, which is neutral and polar, with leucine, which is neutral and non-polar, at codon 462 of the KMT2A protein (p.Ser462Leu). This variant is not present in population databases (gnomAD no frequency). This variant has not been reported in the literature in individuals affected with KMT2A-related conditions. Advanced modeling of protein sequence and biophysical properties (such as structural, functional, and spatial information, amino acid conservation, physicochemical variation, residue mobility, and thermodynamic stability) has been performed at Invitae for this missense variant, however the output from this modeling did not meet the statistical confidence thresholds required to predict the impact of this variant on KMT2A protein function. In summary, the available evidence is currently insufficient to determine the role of this variant in disease. Therefore, it has been classified as a Variant of Uncertain Significance.

NM_001197104.2(KMT2A):c.1385C>T (p.Ser462Leu)

Gene: KMT2A (lysine methyltransferase 2A; plus strand). Cytogenetic location: 11q23.3.
Variant type: single nucleotide variant.
Coding change: c.1385C>T on transcript NM_001197104.2 (MANE Select); coding-DNA position 1385, C replaced by T.
Protein change: p.Ser462Leu; replaces serine 462 with leucine.
Molecular consequence: missense variant.
Genome position (GRCh38, 1-based): chr11:118,472,544, C>T. VCF-style: chr11-118472544-C-T. GRCh37 (hg19) VCF-style: chr11-118343259-C-T.
Other names: c.1484C>T, p.Ser495Leu (NM_001412597.1); c.1385C>T, p.Ser462Leu (NM_005933.4); short protein forms S462L, S495L.
Identifiers: ClinVar variation 3634301 (VCV003634301.2).
Genomic context (GRCh38, chr11:118,472,544, plus strand): 5'-GATTAGAGTCTACACCGAATAGTAGATTCAGTGCCCCGTCCTGTGGATCTTCTGAAAAAT[C>T]AAGTGCAGCTTCTCAGCACTCCTCTCAAATGTCTTCAGACTCCTCTCGATCTAGTAGCCC-3'
Protein context (NP_001184033.1, residues 452-472): SAPSCGSSEK[Ser462Leu]SAASQHSSQM